The following is an entry in ClinVar:

ClinVar aggregate classification (germline): Pathogenic/Likely pathogenic. Review status: criteria provided, multiple submitters, no conflicts (2 of 4 stars). 3 submissions from 3 submitters: Pathogenic (2); Likely pathogenic (1). Last evaluated 2026-06-24.

Conditions:
Pendred syndrome (PDS). Also called: THYROID DYSHORMONOGENESIS 2B; THYROID HORMONOGENESIS, GENETIC DEFECT IN, 2B; Pendred's syndrome; Pendred Syndrome (PDS); DEAFNESS WITH GOITER; GOITER-DEAFNESS SYNDROME. Identifiers: Orphanet 705, MedGen C0271829, MONDO:0010134, OMIM 274600.

Allele frequency attached by ClinVar (database versions not stated): gnomAD exomes below 0.00001.

Submissions (3):

Myriad Genetics, Inc.
Classification: Pathogenic for Pendred syndrome. Last evaluated: 2026-06-24. Review status: criteria provided, single submitter. Criteria: Myriad Autosomal Dominant, Autosomal Recessive and X-Linked Classification Criteria (2023). Collection method: clinical testing. Allele origin: unknown.
Comment: NM_000441.1(SLC26A4):c.688C>T(Q230*) is expected to be pathogenic in the context of Pendred syndrome. This variant is predicted to lead to an abnormal or absent protein product due to the creation of a premature termination codon in SLC26A4, a gene where loss-of-function variants are known to be pathogenic. Please note: this variant was assessed in the context of healthy population screening.

Natera, Inc.
Classification: Likely pathogenic for Pendred syndrome. Last evaluated: 2025-04-10. Review status: criteria provided, single submitter. Criteria: Natera Variant Classification Schema (03/2026). Collection method: clinical testing. Allele origin: germline.
Comment: The c.688C>T variant in SLC26A4 is a nonsense variant predicted to introduce a stop codon at amino acid 230. This variant is expected to result in nonsense mediated decay, truncation, or a dysfunctional protein product. This variant is rare in the general population with a frequency below the threshold expected for the associated phenotype(s). Given the available evidence, this variant is classified as Likely Pathogenic.

Labcorp Genetics (formerly Invitae), Labcorp
Classification: Pathogenic. Last evaluated: 2022-04-03. Review status: criteria provided, single submitter. Criteria: Invitae Variant Classification Sherloc (09022015). Collection method: clinical testing. Allele origin: germline.
Comment: This sequence change creates a premature translational stop signal (p.Gln230*) in the SLC26A4 gene. It is expected to result in an absent or disrupted protein product. Loss-of-function variants in SLC26A4 are known to be pathogenic (PMID: 16283880, 25394566, 26252218, 26445815). This variant is not present in population databases (gnomAD no frequency). This variant has not been reported in the literature in individuals affected with SLC26A4-related conditions. For these reasons, this variant has been classified as Pathogenic.

Literature cited by the submitters: PubMed 16283880 (cited by Labcorp Genetics (formerly Invitae), Labcorp); PubMed 25394566 (cited by Labcorp Genetics (formerly Invitae), Labcorp); PubMed 26252218 (cited by Labcorp Genetics (formerly Invitae), Labcorp); PubMed 26445815 (cited by Labcorp Genetics (formerly Invitae), Labcorp).

NM_000441.2(SLC26A4):c.688C>T (p.Gln230Ter)

Gene: SLC26A4 (solute carrier family 26 member 4; plus strand). Cytogenetic location: 7q22.3.
Variant type: single nucleotide variant.
Coding change: c.688C>T on transcript NM_000441.2 (MANE Select); coding-DNA position 688, C replaced by T.
Protein change: p.Gln230Ter; replaces glutamine 230 with a stop codon.
Molecular consequence: nonsense.
Genome position (GRCh38, 1-based): chr7:107,675,032, C>T. VCF-style: chr7-107675032-C-T. GRCh37 (hg19) VCF-style: chr7-107315477-C-T.
Other names: c.688C>T (NM_000441.1); short protein forms Q230*.
Identifiers: ClinVar variation 1458289 (VCV001458289.9), dbSNP rs2129311951, ClinGen allele CA368831481.